The following is an entry in ClinVar:

NM_001042424.3(NSD2):c.3724T>C (p.Cys1242Arg)

Gene: NSD2 (nuclear receptor binding SET domain protein 2; plus strand). Cytogenetic location: 4p16.3.
Variant type: single nucleotide variant.
Coding change: c.3724T>C on transcript NM_001042424.3 (MANE Select); coding-DNA position 3724, T replaced by C.
Protein change: p.Cys1242Arg; replaces cysteine 1242 with arginine.
Molecular consequence: missense variant.
Genome position (GRCh38, 1-based): chr4:1,976,577, T>C. VCF-style: chr4-1976577-T-C. GRCh37 (hg19) VCF-style: chr4-1978304-T-C.
Other names: c.3724T>C, p.Cys1242Arg (NM_001440892.1, NM_133330.3, NM_133331.3 and 1 more transcripts); c.3823T>C, p.Cys1275Arg (NM_001440893.1); c.3607T>C, p.Cys1203Arg (NM_001440894.1); c.3577T>C, p.Cys1193Arg (NM_001440895.1); c.3523T>C, p.Cys1175Arg (NM_001440896.1); c.3517T>C, p.Cys1173Arg (NM_001440897.1); c.3400T>C, p.Cys1134Arg (NM_001440898.1); c.2755T>C, p.Cys919Arg (NM_001440899.1, NM_001440900.1); short protein forms C1134R, C1173R, C1175R, C1193R, C1203R, C1242R, C1275R, C919R.
Identifiers: ClinVar variation 4537667 (VCV004537667.1).

ClinVar aggregate classification (germline): Uncertain significance (1 of 4 stars; one submission).

Submission:

GeneDx
Classification: Uncertain significance. Last evaluated: 2025-06-10. Review status: criteria provided, single submitter. Criteria: GeneDx Variant Classification Process June 2021. Collection method: clinical testing. Allele origin: germline. Affected: yes.
Comment: Not observed at significant frequency in large population cohorts (gnomAD); In silico analysis supports that this missense variant has a deleterious effect on protein structure/function; Has not been previously published as pathogenic or benign to our knowledge